The following is an entry in ClinVar:

NM_006005.3(WFS1):c.1425C>T (p.Pro475=)

Gene: WFS1 (wolframin ER transmembrane glycoprotein; plus strand). Cytogenetic location: 4p16.1.
Variant type: single nucleotide variant.
Coding change: c.1425C>T on transcript NM_006005.3 (MANE Select); coding-DNA position 1425, C replaced by T.
Protein change: p.Pro475=; no amino-acid change (proline 475 retained).
Molecular consequence: synonymous variant.
Genome position (GRCh38, 1-based): chr4:6,301,220, C>T. VCF-style: chr4-6301220-C-T. GRCh37 (hg19) VCF-style: chr4-6302947-C-T.
Other names: c.1425C>T, p.Pro475= (NM_001145853.1).
Identifiers: ClinVar variation 916194 (VCV000916194.48), dbSNP rs370846103, ClinGen allele CA2839346.
Genomic context (GRCh38, chr4:6,301,220, plus strand): 5'-GCGCAGGGCCCTGGCCACCGAGGTCACCGCCGGCCTGCTATCGCTGCTGCCCTCCATGCC[C>T]TTGAATTGGCCCTACCTGAAGGTCCTTGGCCAGACCTTCATCACCGTGCCTGTCGGCCAC-3'
Protein context (NP_005996.2, residues 465-485): AGLLSLLPSM[Pro475=]LNWPYLKVLG

ClinVar aggregate classification (germline): Benign/Likely benign. Review status: criteria provided, multiple submitters, no conflicts (2 of 4 stars). 5 submissions from 5 submitters: Benign (1); Likely benign (3). 1 of the submissions does not count toward it. Last evaluated 2024-08-14.

Conditions:
Wolfram syndrome 1 (WFS1). Identifiers: Orphanet 3463, MedGen C4551693, MONDO:0009101, OMIM 222300.
WFS1-related disorder. Identifiers: MedGen CN379391, MONDO:0700293.

Allele frequency attached by ClinVar (database versions not stated): ExAC 0.00002; gnomAD 0.00002 and 0.00003; gnomAD exomes 0.00002 and 0.00006; TOPMed 0.00003; ESP Exome Variant Server 0.00008.
gnomAD v4.1: 93 of 1,611,924 alleles (0.0058%); highest among the groups gnomAD compares: Non-Finnish European, 0.0075%; no homozygotes.

Submissions (5):

Labcorp Genetics (formerly Invitae), Labcorp
Classification: Likely benign. Last evaluated: 2024-08-14. Review status: criteria provided, single submitter. Criteria: Invitae Variant Classification Sherloc (09022015). Collection method: clinical testing. Allele origin: germline.

Blueprint Genetics
Classification: Likely benign. Last evaluated: 2024-05-17. Review status: criteria provided, single submitter. Criteria: ACMG Guidelines, 2015. Collection method: clinical testing. Allele origin: germline.

CeGaT Center for Human Genetics Tuebingen
Classification: Likely benign. Last evaluated: 2020-03-01. Review status: criteria provided, single submitter. Criteria: CeGaT Center For Human Genetics Tuebingen Variant Classification Criteria Version 2. Collection method: clinical testing. Allele origin: germline. Affected: yes. Observed: 1 variant allele.

Clinical Genomics, Uppaluri K&H Personalized Medicine Clinic
Classification: Benign for Wolfram syndrome 1. Review status: criteria provided, single submitter. Criteria: K & H Uppaluri Personalized Medicine Clinic Variant Classification & Assertion Criteria_Updated V.1. Collection method: research. Allele origin: unknown. Inheritance: Autosomal recessive inheritance.
Comment: Potent mutations in WFS1 gene are associated with Wolfram's syndrome, an autosomal recessive condition, which cause diabetes mellitus, diabetes insipidus, deafness and optic atrophy. However no sufficient evidence is found to ascertain the role of this particular variant rs370846103 in Wolfram's syndrome yet.

PreventionGenetics, part of Exact Sciences
Classification: Likely benign for WFS1-related condition. Last evaluated: 2020-01-20. Review status: no assertion criteria provided. Collection method: clinical testing. Allele origin: germline. Not counted in ClinVar's aggregate classification.
Comment: This variant is classified as likely benign based on ACMG/AMP sequence variant interpretation guidelines (Richards et al. 2015 PMID: 25741868, with internal and published modifications).

Literature cited by the submitters: PubMed 20738327 (cited by Clinical Genomics, Uppaluri K&H Personalized Medicine Clinic); PubMed 33879153 (cited by Clinical Genomics, Uppaluri K&H Personalized Medicine Clinic); PubMed 12955714 (cited by Clinical Genomics, Uppaluri K&H Personalized Medicine Clinic); PubMed 18060660 (cited by Clinical Genomics, Uppaluri K&H Personalized Medicine Clinic); PubMed 20301750 (cited by Clinical Genomics, Uppaluri K&H Personalized Medicine Clinic); PubMed 17603484 (cited by Clinical Genomics, Uppaluri K&H Personalized Medicine Clinic).